The following is an entry in ClinVar:

NM_005334.3(HCFC1):c.73delinsCCAC (p.Trp25delinsProArg)

Gene: HCFC1 (host cell factor C1; minus strand). Cytogenetic location: Xq28.
Variant type: Indel.
Coding change: c.73delinsCCAC on transcript NM_005334.3 (MANE Select); coding-DNA position 73, T replaced by CCAC.
Protein change: p.Trp25delinsProArg.
Molecular consequence: inframe indel.
Genome position (GRCh38, 1-based): chrX:153,970,768, A replaced by GTGG on the plus strand (T replaced by CCAC on the coding strand, the reverse complement: HCFC1 is on the minus strand). VCF-style: chrX-153970768-A-GTGG. GRCh37 (hg19) VCF-style: chrX-153236219-A-GTGG.
Identifiers: ClinVar variation 964915 (VCV000964915.6), dbSNP rs2065524568, ClinGen allele CA1139667904.

ClinVar aggregate classification (germline): Uncertain significance (1 of 4 stars; one submission).

Conditions:
Methylmalonic acidemia with homocystinuria, type cblX (MAHCX). Also called: INTELLECTUAL DEVELOPMENTAL DISORDER, X-LINKED 3. Identifiers: Orphanet 369962, MedGen C0796208, MONDO:0010657, OMIM 309541.

Submission:

Labcorp Genetics (formerly Invitae), Labcorp
Classification: Uncertain significance for Methylmalonic acidemia with homocystinuria, type cblX. Last evaluated: 2019-07-12. Review status: criteria provided, single submitter. Criteria: Invitae Variant Classification Sherloc (09022015). Collection method: clinical testing. Allele origin: germline.
Comment: This variant, c.73delinsCCAC, results in the deletion of 1 and the insertion of 2 amino acids to the HCFC1 protein (p.Trp25delinsProArg), but otherwise preserves the integrity of the reading frame. This variant is not present in population databases (ExAC no frequency). This variant has not been reported in the literature in individuals with HCFC1-related conditions. Experimental studies and prediction algorithms are not available for this variant, and the functional significance of the affected amino acid(s) is currently unknown. In summary, the available evidence is currently insufficient to determine the role of this variant in disease. Therefore, it has been classified as a Variant of Uncertain Significance.